The following is an entry in ClinVar:

ClinVar aggregate classification (germline): Likely benign (1 of 4 stars; one submission).

Conditions:
LZTR1-related disorder. Also called: LZTR1-related disorders; LZTR1-related condition.

Submission:

PreventionGenetics, part of Exact Sciences
Classification: Likely benign for LZTR1-related condition. Last evaluated: 2025-05-03. Review status: criteria provided, single submitter. Criteria: ACMG Guidelines, 2015. Collection method: clinical testing. Allele origin: germline.
Comment: This variant is classified as likely benign based on ACMG/AMP sequence variant interpretation guidelines (Richards et al. 2015 PMID: 25741868, with internal and published modifications).

NM_006767.4(LZTR1):c.-45C>T

Gene: LZTR1 (leucine zipper like post translational regulator 1; plus strand). Cytogenetic location: 22q11.21.
Variant type: single nucleotide variant.
Coding change: c.-45C>T on transcript NM_006767.4 (MANE Select); 45 bases upstream of the start codon, C replaced by T.
Molecular consequence: 5 prime UTR variant.
Genome position (GRCh38, 1-based): chr22:20,982,327, C>T. VCF-style: chr22-20982327-C-T. GRCh37 (hg19) VCF-style: chr22-21336616-C-T.
Identifiers: ClinVar variation 5002614 (VCV005002614.1).